The following is an entry in ClinVar:

ClinVar aggregate classification (germline): Likely benign. Review status: criteria provided, multiple submitters, no conflicts (2 of 4 stars). 3 submissions from 3 submitters: Likely benign (2). 1 of the submissions does not count toward it. Last evaluated 2026-07-01.

Conditions:
EXOC6B-related disorder. Also called: EXOC6B-related condition.

Allele frequency attached by ClinVar (database versions not stated): gnomAD exomes 0.00002; ExAC 0.00003; gnomAD 0.00003; TOPMed 0.00003; ESP Exome Variant Server 0.00008.
gnomAD v4.1: 40 of 1,613,684 alleles (0.0025%); highest among the groups gnomAD compares: Non-Finnish European, 0.0031%; no homozygotes.

Submissions (3):

CeGaT Center for Human Genetics Tuebingen
Classification: Likely benign. Last evaluated: 2026-07-01. Review status: criteria provided, single submitter. Criteria: CeGaT Center For Human Genetics Tuebingen Variant Classification Criteria Version 2. Collection method: clinical testing. Allele origin: germline. Affected: yes. Observed: 1 variant allele.
Comment: EXOC6B: BP4, BP7

Labcorp Genetics (formerly Invitae), Labcorp
Classification: Likely benign. Last evaluated: 2023-08-17. Review status: criteria provided, single submitter. Criteria: Invitae Variant Classification Sherloc (09022015). Collection method: clinical testing. Allele origin: germline.

PreventionGenetics, part of Exact Sciences
Classification: Likely benign for EXOC6B-related condition. Last evaluated: 2019-07-15. Review status: no assertion criteria provided. Collection method: clinical testing. Allele origin: germline. Not counted in ClinVar's aggregate classification.
Comment: This variant is classified as likely benign based on ACMG/AMP sequence variant interpretation guidelines (Richards et al. 2015 PMID: 25741868, with internal and published modifications).

NM_015189.3(EXOC6B):c.513G>A (p.Leu171=)

Gene: EXOC6B (exocyst complex component 6B; minus strand). Cytogenetic location: 2p13.2.
Variant type: single nucleotide variant.
Coding change: c.513G>A on transcript NM_015189.3 (MANE Select); coding-DNA position 513, G replaced by A.
Protein change: p.Leu171=; no amino-acid change (leucine 171 retained).
Molecular consequence: synonymous variant. On other transcripts: non-coding transcript variant (2).
Genome position (GRCh38, 1-based): chr2:72,718,259, C>T on the plus strand (G>A on the coding strand, the complement: EXOC6B is on the minus strand). VCF-style: chr2-72718259-C-T. GRCh37 (hg19) VCF-style: chr2-72945388-C-T.
Other names: c.513G>A, p.Leu171= (NM_001321729.2, NM_001321730.2, NM_001321731.2 and 1 more transcripts); c.174G>A, p.Leu58= (NM_001321734.2); c.513G>A (NM_015189.2).
Identifiers: ClinVar variation 1972339 (VCV001972339.8), dbSNP rs372719061, ClinGen allele CA1708720.